The following is an entry in ClinVar:

ClinVar aggregate classification (germline): Likely benign (1 of 4 stars; one submission).

Allele frequency attached by ClinVar (database versions not stated): ESP Exome Variant Server 0.00015; TOPMed 0.00022; 1000 Genomes Project 30x 0.00047; gnomAD exomes 0.00050; gnomAD 0.00059; 1000 Genomes Project 0.00060; ExAC 0.00082.
gnomAD v4.1: 821 of 1,613,630 alleles (0.051%); highest among the groups gnomAD compares: East Asian, 0.67%; 6 homozygotes.

Submission:

CeGaT Center for Human Genetics Tuebingen
Classification: Likely benign. Last evaluated: 2022-07-01. Review status: criteria provided, single submitter. Criteria: CeGaT Center For Human Genetics Tuebingen Variant Classification Criteria Version 2. Collection method: clinical testing. Allele origin: germline. Affected: yes. Observed: 1 variant allele.
Comment: CLSTN1: BP4, BP7

NM_001009566.3(CLSTN1):c.681C>T (p.Tyr227=)

Gene: CLSTN1 (calsyntenin 1; minus strand). Cytogenetic location: 1p36.22.
Variant type: single nucleotide variant.
Coding change: c.681C>T on transcript NM_001009566.3 (MANE Select); coding-DNA position 681, C replaced by T.
Protein change: p.Tyr227=; no amino-acid change (tyrosine 227 retained).
Molecular consequence: synonymous variant.
Genome position (GRCh38, 1-based): chr1:9,749,882, G>A on the plus strand (C>T on the coding strand, the complement: CLSTN1 is on the minus strand). VCF-style: chr1-9749882-G-A. GRCh37 (hg19) VCF-style: chr1-9809940-G-A.
Other names: c.681C>T, p.Tyr227= (NM_001302883.1); c.651C>T, p.Tyr217= (NM_014944.4).
Identifiers: ClinVar variation 2638193 (VCV002638193.24), dbSNP rs151087136, ClinGen allele CA578604.